The following is an entry in ClinVar:

NM_000878.5(IL2RB):c.1441G>T (p.Asp481Tyr)

Gene: IL2RB (interleukin 2 receptor subunit beta; minus strand). Cytogenetic location: 22q12.3.
Variant type: single nucleotide variant.
Coding change: c.1441G>T on transcript NM_000878.5 (MANE Select); coding-DNA position 1441, G replaced by T.
Protein change: p.Asp481Tyr; replaces aspartic acid 481 with tyrosine.
Molecular consequence: missense variant.
Genome position (GRCh38, 1-based): chr22:37,128,311, C>A on the plus strand (G>T on the coding strand, the complement: IL2RB is on the minus strand). VCF-style: chr22-37128311-C-A. GRCh37 (hg19) VCF-style: chr22-37524351-C-A.
Other names: c.1441G>T, p.Asp481Tyr (NM_001346222.1, NM_001346223.2); short protein forms D481Y.
Identifiers: ClinVar variation 1377900 (VCV001377900.4), dbSNP rs576077710, ClinGen allele CA324043040.

ClinVar aggregate classification (germline): Uncertain significance (1 of 4 stars; one submission).

Allele frequency attached by ClinVar (database versions not stated): gnomAD exomes below 0.00001; gnomAD 0.00002 and 0.00003; TOPMed 0.00003.
gnomAD v4.1: 9 of 1,502,942 alleles (0.0006%); highest among the groups gnomAD compares: African/African-American, 0.0084%; no homozygotes.

Submission:

Labcorp Genetics (formerly Invitae), Labcorp
Classification: Uncertain significance. Last evaluated: 2023-07-17. Review status: criteria provided, single submitter. Criteria: Invitae Variant Classification Sherloc (09022015). Collection method: clinical testing. Allele origin: germline.
Comment: This sequence change replaces aspartic acid, which is acidic and polar, with tyrosine, which is neutral and polar, at codon 481 of the IL2RB protein (p.Asp481Tyr). This variant is present in population databases (rs576077710, gnomAD 0.01%). This variant has not been reported in the literature in individuals affected with IL2RB-related conditions. ClinVar contains an entry for this variant (Variation ID: 1377900). An algorithm developed to predict the effect of missense changes on protein structure and function (PolyPhen-2) suggests that this variant is likely to be disruptive. In summary, the available evidence is currently insufficient to determine the role of this variant in disease. Therefore, it has been classified as a Variant of Uncertain Significance.